The following is an entry in ClinVar:

ClinVar aggregate classification (germline): Conflicting classifications of pathogenicity. Review status: criteria provided, conflicting classifications (1 of 4 stars). 3 submissions from 3 submitters: Uncertain significance (2); Likely benign (1). Last evaluated 2026-02-03.

Conditions:
Charcot-Marie-Tooth disease type 2A1. Also called: CHARCOT-MARIE-TOOTH DISEASE, AXONAL, AUTOSOMAL DOMINANT, TYPE 2A1; CHARCOT-MARIE-TOOTH DISEASE, NEURONAL, TYPE 2A1; CHARCOT-MARIE-TOOTH NEUROPATHY, TYPE 2A1; HEREDITARY MOTOR AND SENSORY NEUROPATHY IIA1; CHARCOT-MARIE-TOOTH DISEASE, AXONAL, TYPE 2A1. Identifiers: Orphanet 99946, MedGen C1861678, MONDO:0007308, OMIM 118210.
Neuroblastoma, susceptibility to, 1. Identifiers: MedGen C2749485, MONDO:0009741, OMIM 256700.
Charcot-Marie-Tooth disease type 2. Also called: Charcot-Marie-Tooth type 2. Identifiers: Orphanet 64746, MedGen C0270914, MONDO:0018993.

Allele frequency attached by ClinVar (database versions not stated): gnomAD 0.00001; gnomAD exomes 0.00005 and 0.00003; ExAC 0.00002; TOPMed 0.00005.
gnomAD v4.1: 17 of 1,613,988 alleles (0.0011%); highest among the groups gnomAD compares: Admixed American, 0.027%; no homozygotes.

Submissions (3):

Labcorp Genetics (formerly Invitae), Labcorp
Classification: Uncertain significance for Charcot-Marie-Tooth disease type 2. Last evaluated: 2026-02-03. Review status: criteria provided, single submitter. Criteria: Invitae Variant Classification Sherloc (09022015). Collection method: clinical testing. Allele origin: germline.
Comment: This sequence change replaces aspartic acid, which is acidic and polar, with glutamic acid, which is acidic and polar, at codon 1692 of the KIF1B protein (p.Asp1692Glu). This variant is present in population databases (rs774464311, gnomAD 0.03%), and has an allele count higher than expected for a pathogenic variant. This variant has not been reported in the literature in individuals affected with KIF1B-related conditions. ClinVar contains an entry for this variant (Variation ID: 476788). An algorithm developed to predict the effect of missense changes on protein structure and function (PolyPhen-2) suggests that this variant is likely to be disruptive. In summary, the available evidence is currently insufficient to determine the role of this variant in disease. Therefore, it has been classified as a Variant of Uncertain Significance.

Fulgent Genetics
Classification: Uncertain significance for Charcot-Marie-Tooth disease type 2A1; Neuroblastoma, susceptibility to, 1. Last evaluated: 2024-04-03. Review status: criteria provided, single submitter. Criteria: ACMG Guidelines, 2015. Collection method: clinical testing. Allele origin: germline.

Ambry Genetics
Classification: Likely benign. Last evaluated: 2020-10-05. Review status: criteria provided, single submitter. Criteria: Ambry Variant Classification Scheme 2023. Collection method: clinical testing. Allele origin: germline.

NM_001365951.3(KIF1B):c.5214C>G (p.Asp1738Glu)

Gene: KIF1B (kinesin family member 1B; plus strand). Cytogenetic location: 1p36.22.
Variant type: single nucleotide variant.
Coding change: c.5214C>G on transcript NM_001365951.3 (MANE Select); coding-DNA position 5214, C replaced by G.
Protein change: p.Asp1738Glu; replaces aspartic acid 1738 with glutamic acid.
Molecular consequence: missense variant.
Genome position (GRCh38, 1-based): chr1:10,374,971, C>G. VCF-style: chr1-10374971-C-G. GRCh37 (hg19) VCF-style: chr1-10435029-C-G.
Other names: c.5214C>G, p.Asp1738Glu (NM_001365952.1); c.5076C>G, p.Asp1692Glu (NM_015074.3); short protein forms D1692E, D1738E.
Identifiers: ClinVar variation 476788 (VCV000476788.12), dbSNP rs774464311, ClinGen allele CA582290.